The following is an entry in ClinVar:

NM_198271.5(LMOD3):c.432TGAAGAAGA[1] (p.144DEE[1])

Gene: LMOD3 (leiomodin 3; minus strand). Cytogenetic location: 3p14.1.
Variant type: Microsatellite.
Coding change: c.432TGAAGAAGA[1] on transcript NM_198271.5 (MANE Select); one copy of the 9-base unit TGAAGAAGA starting at c.432; the reference has two copies in a row; one copy, 9 bases deleted.
Protein change: p.144DEE[1].
Molecular consequence: inframe deletion.
Genome position (GRCh38, 1-based): chr3:69,119,906-69,119,914, TCTTCTTCA deleted on the plus strand (TGAAGAAGA on the coding strand, the reverse complement: LMOD3 is on the minus strand); deleting any 9 consecutive bases within chr3:69,119,906-69,119,926 gives the same sequence; the position shown is the placement nearest the transcript's 3' end. VCF-style (leftmost placement, unchanged base first): chr3-69119905-TTCTTCTTCA-T. GRCh37 (hg19) VCF-style: chr3-69169056-TTCTTCTTCA-T.
Other names: c.432TGAAGAAGA[1], p.144DEE[1] (NM_001304418.3).
Identifiers: ClinVar variation 964681 (VCV000964681.6), dbSNP rs1179727503, ClinGen allele CA544004936.
Genomic context (GRCh38, chr3:69,119,905, plus strand): 5'-GTTCGTTTCTTCACTCTCTTCACCATCATCTTCTCCTTCGTCGTCATCATCATCATCTTC[TTCTTCTTCA>T]TCTTCTTCATCTGTTTCTTGGATATTGCTGCTGCCCTTTGATTCTCTTTTATTTGCAACT-3'

ClinVar aggregate classification (germline): Uncertain significance (1 of 4 stars; one submission).

Conditions:
Nemaline myopathy 10 (NEM10). Identifiers: MedGen C4015360, MONDO:0014513, OMIM 616165.

Submission:

Labcorp Genetics (formerly Invitae), Labcorp
Classification: Uncertain significance for Nemaline myopathy 10. Last evaluated: 2025-10-02. Review status: criteria provided, single submitter. Criteria: Invitae Variant Classification Sherloc (09022015). Collection method: clinical testing. Allele origin: germline.
Comment: This variant, c.441_449del, results in the deletion of 3 amino acid(s) of the LMOD3 protein (p.Asp147_Glu149del), but otherwise preserves the integrity of the reading frame. This variant is present in population databases (no rsID available, gnomAD 0.006%). This variant has not been reported in the literature in individuals affected with LMOD3-related conditions. ClinVar contains an entry for this variant (Variation ID: 964681). Experimental studies and prediction algorithms are not available or were not evaluated, and the functional significance of this variant is currently unknown. In summary, the available evidence is currently insufficient to determine the role of this variant in disease. Therefore, it has been classified as a Variant of Uncertain Significance.